The following is an entry in ClinVar:

ClinVar aggregate classification (germline): Uncertain significance (1 of 4 stars; one submission).

Conditions:
Familial cancer of breast. Also called: hereditary breast carcinoma; BREAST CANCER, FAMILIAL; Hereditary breast cancer. Identifiers: Orphanet 227535, MedGen C0346153, MONDO:0016419, OMIM 114480. Disease mechanism: loss of function.

Submission:

Praxis Für Humangenetik, Biosciencia MVZ Labor Saar
Classification: Uncertain significance for Familial cancer of breast. Review status: criteria provided, single submitter. Criteria: ACMG Guidelines, 2015. Collection method: clinical testing. Allele origin: germline. Inheritance: Autosomal dominant inheritance. Affected: yes.
Comment: PM2, PP3

NM_006231.4(POLE):c.5701C>T (p.His1901Tyr)

Gene: POLE (DNA polymerase epsilon, catalytic subunit; minus strand). Cytogenetic location: 12q24.33.
Variant type: single nucleotide variant.
Coding change: c.5701C>T on transcript NM_006231.4 (MANE Select); coding-DNA position 5701, C replaced by T.
Protein change: p.His1901Tyr; replaces histidine 1901 with tyrosine.
Molecular consequence: missense variant.
Genome position (GRCh38, 1-based): chr12:132,636,002, G>A on the plus strand (C>T on the coding strand, the complement: POLE is on the minus strand). VCF-style: chr12-132636002-G-A. GRCh37 (hg19) VCF-style: chr12-133212588-G-A.
Other names: short protein forms H1901Y.
Identifiers: ClinVar variation 4845417 (VCV004845417.1).